The following is an entry in ClinVar:

NM_000632.4(ITGAM):c.3154T>G (p.Ser1052Ala)

Gene: ITGAM (integrin subunit alpha M; plus strand). Cytogenetic location: 16p11.2.
Variant type: single nucleotide variant.
Coding change: c.3154T>G on transcript NM_000632.4 (MANE Select); coding-DNA position 3154, T replaced by G.
Protein change: p.Ser1052Ala; replaces serine 1052 with alanine.
Molecular consequence: missense variant.
Genome position (GRCh38, 1-based): chr16:31,330,401, T>G. VCF-style: chr16-31330401-T-G. GRCh37 (hg19) VCF-style: chr16-31341722-T-G.
Other names: c.3157T>G, p.Ser1053Ala (NM_001145808.2); short protein forms S1052A, S1053A.
Identifiers: ClinVar variation 2866418 (VCV002866418.3), dbSNP rs2544508415, ClinGen allele CA395702284.

ClinVar aggregate classification (germline): Uncertain significance (1 of 4 stars; one submission).

Submission:

Labcorp Genetics (formerly Invitae), Labcorp
Classification: Uncertain significance. Last evaluated: 2025-03-03. Review status: criteria provided, single submitter. Criteria: Invitae Variant Classification Sherloc (09022015). Collection method: clinical testing. Allele origin: germline.
Comment: This sequence change replaces serine, which is neutral and polar, with alanine, which is neutral and non-polar, at codon 1052 of the ITGAM protein (p.Ser1052Ala). This variant is not present in population databases (gnomAD no frequency). This variant has not been reported in the literature in individuals affected with ITGAM-related conditions. ClinVar contains an entry for this variant (Variation ID: 2866418). An algorithm developed to predict the effect of missense changes on protein structure and function (PolyPhen-2) suggests that this variant is likely to be tolerated. In summary, the available evidence is currently insufficient to determine the role of this variant in disease. Therefore, it has been classified as a Variant of Uncertain Significance.